The following is an entry in ClinVar:

NM_020812.4(DOCK6):c.1971+5G>A

Gene: DOCK6 (dedicator of cytokinesis 6; minus strand). Cytogenetic location: 19p13.2.
Variant type: single nucleotide variant.
Coding change: c.1971+5G>A on transcript NM_020812.4 (MANE Select); 5 bases into the intron after coding-DNA position 1971, G replaced by A.
Molecular consequence: intron variant.
Genome position (GRCh38, 1-based): chr19:11,237,636, C>T on the plus strand (G>A on the coding strand, the complement: DOCK6 is on the minus strand). VCF-style: chr19-11237636-C-T. GRCh37 (hg19) VCF-style: chr19-11348312-C-T.
Other names: c.1971+5G>A (NM_001367830.1).
Identifiers: ClinVar variation 4083332 (VCV004083332.1).

ClinVar aggregate classification (germline): Uncertain significance (1 of 4 stars; one submission).

Submission:

GeneDx
Classification: Uncertain significance. Last evaluated: 2025-03-15. Review status: criteria provided, single submitter. Criteria: GeneDx Variant Classification Process June 2021. Collection method: clinical testing. Allele origin: germline. Affected: yes.
Comment: Not observed at significant frequency in large population cohorts (gnomAD); In silico analysis supports a deleterious effect on splicing; Has not been previously published as pathogenic or benign to our knowledge